The following is an entry in ClinVar:

NC_000002.11:g.(?_44027960)_(44223086_?)dup

Genes: ABCG5 (ATP binding cassette subfamily G member 5; minus strand), ABCG8 (ATP binding cassette subfamily G member 8; plus strand), DYNC2LI1 (dynein cytoplasmic 2 light intermediate chain 1; plus strand), LRPPRC (leucine rich pentatricopeptide repeat containing; minus strand). Cytogenetic location: 2p21.
Variant type: Duplication.
Identifiers: ClinVar variation 1449400 (VCV001449400.4).

ClinVar aggregate classification (germline): Uncertain significance (1 of 4 stars; one submission).

Submission:

Labcorp Genetics (formerly Invitae), Labcorp
Classification: Uncertain significance. Last evaluated: 2021-10-27. Review status: criteria provided, single submitter. Criteria: Invitae Variant Classification Sherloc (09022015). Collection method: clinical testing. Allele origin: germline.
Comment: In summary, the available evidence is currently insufficient to determine the role of this variant in disease. Therefore, it has been classified as a Variant of Uncertain Significance. Experimental studies and prediction algorithms are not available or were not evaluated, and the functional significance of this variant is currently unknown. This variant has not been reported in the literature in individuals affected with DYNC2LI1-related conditions. This variant results in a copy number gain of the genomic region encompassing exon(s) 9-13 of the DYNC2LI1 gene. This region includes the termination codon of the gene. This copy number gain extends beyond the assayed region for this gene and therefore may encompass additional genes. As the precise location of this event is unknown, it may be in tandem or it may be located elsewhere in the genome.